The following is an entry in ClinVar:

NM_001034853.2(RPGR):c.1060-5T>A

Gene: RPGR (retinitis pigmentosa GTPase regulator; minus strand). Cytogenetic location: Xp11.4.
Variant type: single nucleotide variant.
Coding change: c.1060-5T>A on transcript NM_001034853.2 (MANE Select); 5 bases into the intron before coding-DNA position 1060, T replaced by A.
Molecular consequence: intron variant.
Genome position (GRCh38, 1-based): chrX:38,299,146, A>T on the plus strand (T>A on the coding strand, the complement: RPGR is on the minus strand). VCF-style: chrX-38299146-A-T. GRCh37 (hg19) VCF-style: chrX-38158399-A-T.
Other names: c.1057-5T>A (NM_001367249.1, NM_001367250.1, NM_001367245.1); c.1060-1694T>A (NM_001367251.1, NM_001367246.1); c.1060-5T>A (NM_001367247.1, NM_000328.3); c.1090-5T>A (NM_001367248.1).
Identifiers: ClinVar variation 3655633 (VCV003655633.2).

ClinVar aggregate classification (germline): Uncertain significance (1 of 4 stars; one submission).

Conditions:
Primary ciliary dyskinesia. Also called: Ciliary dyskinesia. Identifiers: Orphanet 244, MedGen C0008780, MONDO:0016575, HP:0012265.

Submission:

Labcorp Genetics (formerly Invitae), Labcorp
Classification: Uncertain significance for Primary ciliary dyskinesia. Last evaluated: 2024-06-05. Review status: criteria provided, single submitter. Criteria: Invitae Variant Classification Sherloc (09022015). Collection method: clinical testing. Allele origin: germline.
Comment: This sequence change falls in intron 9 of the RPGR gene. It does not directly change the encoded amino acid sequence of the RPGR protein. This variant is not present in population databases (gnomAD no frequency). This variant has not been reported in the literature in individuals affected with RPGR-related conditions. Algorithms developed to predict the effect of sequence changes on RNA splicing suggest that this variant may disrupt the consensus splice site. In summary, the available evidence is currently insufficient to determine the role of this variant in disease. Therefore, it has been classified as a Variant of Uncertain Significance.